The following is an entry in ClinVar:

ClinVar aggregate classification (germline): Likely benign. Review status: criteria provided, multiple submitters, no conflicts (2 of 4 stars). 6 submissions from 6 submitters: Likely benign (5). 1 of the submissions does not count toward it. Last evaluated 2026-01-27.

Conditions:
CACNA1D-related disorder.

Allele frequency attached by ClinVar (database versions not stated): ExAC 0.00004; gnomAD 0.00009 and 0.00010; gnomAD exomes 0.00009 and 0.00056; TOPMed 0.00030.
gnomAD v4.1: 145 of 1,559,352 alleles (0.0093%); highest among the groups gnomAD compares: Admixed American, 0.27%; no homozygotes.

Submissions (6):

Labcorp Genetics (formerly Invitae), Labcorp
Classification: Likely benign. Last evaluated: 2026-01-27. Review status: criteria provided, single submitter. Criteria: Invitae Variant Classification Sherloc (09022015). Collection method: clinical testing. Allele origin: germline.

Blueprint Genetics
Classification: Likely benign. Last evaluated: 2024-05-29. Review status: criteria provided, single submitter. Criteria: ACMG Guidelines, 2015. Collection method: clinical testing. Allele origin: germline.

Genetic Services Laboratory, University of Chicago
Classification: Likely benign. Last evaluated: 2020-07-07. Review status: criteria provided, single submitter. Criteria: ACMG Guidelines, 2015. Collection method: clinical testing. Allele origin: germline. Affected: no.

GeneDx
Classification: Likely benign. Last evaluated: 2018-01-04. Review status: criteria provided, single submitter. Criteria: GeneDx Variant Classification (06012015). Collection method: clinical testing. Allele origin: germline. Affected: yes.
Comment: This variant is considered likely benign or benign based on one or more of the following criteria: it is a conservative change, it occurs at a poorly conserved position in the protein, it is predicted to be benign by multiple in silico algorithms, and/or has population frequency not consistent with disease.

Laboratory for Molecular Medicine, Mass General Brigham Personalized Medicine
Classification: Likely benign. Last evaluated: 2017-06-13. Review status: criteria provided, single submitter. Criteria: LMM Criteria. Collection method: clinical testing. Allele origin: germline. Observed: 1 variant allele.
Comment: p.Ala502Thr in exon 11 of CACNA1D: This variant is not expected to have clinical significance due to a lack of conservation across species, including mammals. A lanine (Ala) at position 502 is not conserved in mammals or evolutionarily dista nt species and 3 species (marmoset, dolphin, and killer whale) carry a threonine (Thr) at this position, supporting that this change may be tolerated. In additi on, the variant has been identified in 0.4% (94/25942) of Latino chromosomes by the Genome Aggregation Database (gnomAD; dbSNP rs773409037).

PreventionGenetics, part of Exact Sciences
Classification: Likely benign for CACNA1D-related condition. Last evaluated: 2022-02-15. Review status: no assertion criteria provided. Collection method: clinical testing. Allele origin: germline. Not counted in ClinVar's aggregate classification.
Comment: This variant is classified as likely benign based on ACMG/AMP sequence variant interpretation guidelines (Richards et al. 2015 PMID: 25741868, with internal and published modifications).

NM_000720.4(CACNA1D):c.1504G>A (p.Ala502Thr)

Gene: CACNA1D (calcium voltage-gated channel subunit alpha1 D; plus strand). Cytogenetic location: 3p21.1.
Variant type: single nucleotide variant.
Coding change: c.1504G>A on transcript NM_000720.4 (MANE Plus Clinical); coding-DNA position 1504, G replaced by A.
Protein change: p.Ala502Thr; replaces alanine 502 with threonine.
Molecular consequence: missense variant. On other transcripts: intron variant (2).
Genome position (GRCh38, 1-based): chr3:53,718,707, G>A. VCF-style: chr3-53718707-G-A. GRCh37 (hg19) VCF-style: chr3-53752734-G-A.
Other names: c.1478+319G>A (NM_001128840.3, NM_001128839.3); short protein forms A502T.
Identifiers: ClinVar variation 505894 (VCV000505894.19), dbSNP rs773409037, ClinGen allele CA2453976.